The following is an entry in ClinVar:

NM_000321.3(RB1):c.794AAC[3] (p.Gln266dup)

Gene: RB1 (RB transcriptional corepressor 1; plus strand). Cytogenetic location: 13q14.2.
Variant type: Microsatellite.
Coding change: c.794AAC[3] on transcript NM_000321.3 (MANE Select); three copies in a row of the 3-base unit AAC starting at c.794; the reference has two copies in a row; one copy, 3 bases duplicated.
Protein change: p.Gln266dup; duplicates glutamine 266.
Molecular consequence: inframe insertion.
Genome position (GRCh38, 1-based): chr13:48,362,893-48,362,895, AAC duplicated; duplicating any 3 consecutive bases within chr13:48,362,890-48,362,895 gives the same sequence; the position shown is the placement nearest the transcript's 3' end. VCF-style (leftmost placement, unchanged base first): chr13-48362889-A-AAAC. GRCh37 (hg19) VCF-style: chr13-48937025-A-AAAC.
Other names: c.797_799dupAAC (NM_000321.2).
Identifiers: ClinVar variation 1473012 (VCV001473012.7), dbSNP rs2138112498, ClinGen allele CA2580614719.
Genomic context (GRCh38, chr13:48,362,889, plus strand): 5'-CCCATTAATGGTTCACCTCGAACACCCAGGCGAGGTCAGAACAGGAGTGCACGGATAGCA[A>AAAC]AACAACTAGAAAATGATACAAGAATTATTGAAGTTCTCTGTAAAGAACATGAATGTAATA-3'

ClinVar aggregate classification (germline): Uncertain significance. Review status: criteria provided, multiple submitters, no conflicts (2 of 4 stars). 2 submissions from 2 submitters: Uncertain significance (2). Last evaluated 2026-05-08.

Conditions:
Hereditary cancer-predisposing syndrome. Also called: Tumor predisposition; Neoplastic Syndromes, Hereditary; Hereditary Cancer Syndrome; Hereditary neoplastic syndrome. Identifiers: Orphanet 140162, MedGen C0027672, MeSH D009386, MONDO:0015356.
Retinoblastoma (RB1). Also called: RETINOBLASTOMA, SOMATIC. Identifiers: Orphanet 790, MedGen C0035335, MeSH D012175, MONDO:0008380, OMIM 180200, HP:0009919. Disease mechanism: loss of function. Inheritance: Both sporadic and heritable forms are tested..

Submissions (2):

Ambry Genetics
Classification: Uncertain significance for Hereditary cancer-predisposing syndrome. Last evaluated: 2026-05-08. Review status: criteria provided, single submitter. Criteria: Ambry Variant Classification Scheme 2023. Collection method: clinical testing. Allele origin: germline.
Comment: The c.797_799dupAAC variant (also known as p.Q266dup), located in coding exon 8 of the RB1 gene, results from an in-frame duplication of AAC at nucleotide positions 797 to 799. This results in the duplication of an extra residue between codons 266 and 267. This amino acid position is highly conserved in available vertebrate species. In addition, the in silico prediction for this variant is inconclusive (Choi Y et al. PLoS ONE. 2012; 7(10):e46688). Based on the available evidence, the clinical significance of this variant remains unclear.

Labcorp Genetics (formerly Invitae), Labcorp
Classification: Uncertain significance for Retinoblastoma. Last evaluated: 2021-09-25. Review status: criteria provided, single submitter. Criteria: Invitae Variant Classification Sherloc (09022015). Collection method: clinical testing. Allele origin: germline.
Comment: In summary, the available evidence is currently insufficient to determine the role of this variant in disease. Therefore, it has been classified as a Variant of Uncertain Significance. Experimental studies and prediction algorithms are not available or were not evaluated, and the functional significance of this variant is currently unknown. This variant, c.797_799dup, results in the insertion of 1 amino acid(s) to the RB1 protein (p.Gln266dup), but otherwise preserves the integrity of the reading frame. This variant is not present in population databases (ExAC no frequency). This variant has not been reported in the literature in individuals affected with RB1-related conditions.